The following is an entry in ClinVar:

ClinVar aggregate classification (germline): Likely benign. Review status: criteria provided, multiple submitters, no conflicts (2 of 4 stars). 3 submissions from 3 submitters: Likely benign (2). 1 of the submissions does not count toward it. Last evaluated 2025-12-19.

Conditions:
NBAS-related disorder. Also called: NBAS-related condition.
Inborn genetic diseases. Identifiers: MedGen C0950123, MeSH D030342.

Allele frequency attached by ClinVar (database versions not stated): ESP Exome Variant Server 0.00008; TOPMed 0.00008; gnomAD 0.00009; ExAC 0.00017.
gnomAD v4.1: 67 of 1,614,028 alleles (0.0042%); highest among the groups gnomAD compares: East Asian, 0.1%; no homozygotes.

Submissions (3):

Labcorp Genetics (formerly Invitae), Labcorp
Classification: Likely benign. Last evaluated: 2025-12-19. Review status: criteria provided, single submitter. Criteria: Invitae Variant Classification Sherloc (09022015). Collection method: clinical testing. Allele origin: germline.

Ambry Genetics
Classification: Likely benign for Inborn genetic diseases. Last evaluated: 2025-02-22. Review status: criteria provided, single submitter. Criteria: Ambry Variant Classification Scheme 2023. Collection method: clinical testing. Allele origin: germline.

PreventionGenetics, part of Exact Sciences
Classification: Likely benign for NBAS-related condition. Last evaluated: 2023-08-22. Review status: no assertion criteria provided. Collection method: clinical testing. Allele origin: germline. Not counted in ClinVar's aggregate classification.
Comment: This variant is classified as likely benign based on ACMG/AMP sequence variant interpretation guidelines (Richards et al. 2015 PMID: 25741868, with internal and published modifications).

NM_015909.4(NBAS):c.5630A>G (p.Tyr1877Cys)

Gene: NBAS (NBAS subunit of NRZ tethering complex; minus strand). Cytogenetic location: 2p24.3.
Variant type: single nucleotide variant.
Coding change: c.5630A>G on transcript NM_015909.4 (MANE Select); coding-DNA position 5630, A replaced by G.
Protein change: p.Tyr1877Cys; replaces tyrosine 1877 with cysteine.
Molecular consequence: missense variant. On other transcripts: non-coding transcript variant (1).
Genome position (GRCh38, 1-based): chr2:15,275,578, T>C on the plus strand (A>G on the coding strand, the complement: NBAS is on the minus strand). VCF-style: chr2-15275578-T-C. GRCh37 (hg19) VCF-style: chr2-15415702-T-C.
Other names: c.5630A>G (NM_015909.3, NM_015909.2); short protein forms Y1877C.
Identifiers: ClinVar variation 2189490 (VCV002189490.7), dbSNP rs377024520, ClinGen allele CA1535257.
Genomic context (GRCh38, chr2:15,275,578, plus strand): 5'-TCTACCACAGTGATGAGGTCACCTGGGTGGAGACGATCAAAGTACTTCATGCAGACATCA[T>C]AGGCATGAAGCCACTCCGGTGAAGAGCCTGGGACTTGTTTAATGAGATGAGGGTCTCCAG-3'
Protein context (NP_056993.2, residues 1867-1887): PGSSPEWLHA[Tyr1877Cys]DVCMKYFDRL